The following is an entry in ClinVar:

NM_004928.3(CFAP410):c.642+15G>A

Gene: CFAP410 (cilia and flagella associated protein 410; minus strand). Cytogenetic location: 21q22.3.
Variant type: single nucleotide variant.
Coding change: c.642+15G>A on transcript NM_004928.3 (MANE Select); 15 bases into the intron after coding-DNA position 642, G replaced by A.
Molecular consequence: intron variant. On other transcripts: synonymous variant (1).
Genome position (GRCh38, 1-based): chr21:44,330,808, C>T on the plus strand (G>A on the coding strand, the complement: CFAP410 is on the minus strand). VCF-style: chr21-44330808-C-T. GRCh37 (hg19) VCF-style: chr21-45750691-C-T.
Other names: c.654G>A, p.Pro218= (NM_001271441.2); c.639+15G>A (NM_001271440.2); c.516+15G>A (NM_001271442.1); c.654G>A (NM_001271441.1).
Identifiers: ClinVar variation 1615041 (VCV001615041.25), dbSNP rs544718455, ClinGen allele CA10053574.

ClinVar aggregate classification (germline): Likely benign. Review status: criteria provided, multiple submitters, no conflicts (2 of 4 stars). 4 submissions from 4 submitters: Likely benign (3). 1 of the submissions does not count toward it. Last evaluated 2025-11-03.

Conditions:
CFAP410-related disorder. Also called: CFAP410-related condition.

Allele frequency attached by ClinVar (database versions not stated): gnomAD 0.00007 and 0.00008; gnomAD exomes 0.00007 and 0.00012; TOPMed 0.00014; 1000 Genomes Project 0.00020; 1000 Genomes Project 30x 0.00031; ExAC 0.00032.
gnomAD v4.1: 115 of 1,578,692 alleles (0.0073%); highest among the groups gnomAD compares: Middle Eastern, 0.15%; no homozygotes.

Submissions (4):

Labcorp Genetics (formerly Invitae), Labcorp
Classification: Likely benign. Last evaluated: 2025-11-03. Review status: criteria provided, single submitter. Criteria: Invitae Variant Classification Sherloc (09022015). Collection method: clinical testing. Allele origin: germline.

Blueprint Genetics
Classification: Likely benign. Last evaluated: 2024-11-26. Review status: criteria provided, single submitter. Criteria: ACMG Guidelines, 2015. Collection method: clinical testing. Allele origin: germline.

CeGaT Center for Human Genetics Tuebingen
Classification: Likely benign. Last evaluated: 2024-09-01. Review status: criteria provided, single submitter. Criteria: CeGaT Center For Human Genetics Tuebingen Variant Classification Criteria Version 2. Collection method: clinical testing. Allele origin: germline. Affected: yes. Observed: 1 variant allele.
Comment: CFAP410: BP4, BP7

PreventionGenetics, part of Exact Sciences
Classification: Likely benign for CFAP410-related condition. Last evaluated: 2020-02-14. Review status: no assertion criteria provided. Collection method: clinical testing. Allele origin: germline. Not counted in ClinVar's aggregate classification.
Comment: This variant is classified as likely benign based on ACMG/AMP sequence variant interpretation guidelines (Richards et al. 2015 PMID: 25741868, with internal and published modifications).